The following is an entry in ClinVar:

ClinVar aggregate classification (germline): Uncertain significance. Review status: criteria provided, single submitter (1 of 4 stars). 2 submissions from 2 submitters: Uncertain significance (1). 1 of the submissions does not count toward it. Last evaluated 2026-01-17.

Conditions:
TRRAP-related disorder. Also called: TRRAP-related condition.

Submissions (2):

Labcorp Genetics (formerly Invitae), Labcorp
Classification: Uncertain significance. Last evaluated: 2026-01-17. Review status: criteria provided, single submitter. Criteria: Invitae Variant Classification Sherloc (09022015). Collection method: clinical testing. Allele origin: germline.
Comment: This sequence change replaces glycine, which is neutral and non-polar, with alanine, which is neutral and non-polar, at codon 571 of the TRRAP protein (p.Gly571Ala). This variant is not present in population databases (gnomAD no frequency). This variant has not been reported in the literature in individuals affected with TRRAP-related conditions. ClinVar contains an entry for this variant (Variation ID: 3353725). An algorithm developed to predict the effect of missense changes on protein structure and function (PolyPhen-2) suggests that this variant is likely to be tolerated. In summary, the available evidence is currently insufficient to determine the role of this variant in disease. Therefore, it has been classified as a Variant of Uncertain Significance.

PreventionGenetics, part of Exact Sciences
Classification: Uncertain significance for TRRAP-related condition. Last evaluated: 2024-03-13. Review status: no assertion criteria provided. Collection method: clinical testing. Allele origin: germline. Not counted in ClinVar's aggregate classification.
Comment: The TRRAP c.1712G>C variant is predicted to result in the amino acid substitution p.Gly571Ala. To our knowledge, this variant has not been reported in the literature or in a large population database, indicating this variant is rare. At this time, the clinical significance of this variant is uncertain due to the absence of conclusive functional and genetic evidence.

NM_001375524.1(TRRAP):c.1712G>C (p.Gly571Ala)

Gene: TRRAP (transformation/transcription domain associated protein; plus strand). Cytogenetic location: 7q22.1.
Variant type: single nucleotide variant.
Coding change: c.1712G>C on transcript NM_001375524.1 (MANE Select); coding-DNA position 1712, G replaced by C.
Protein change: p.Gly571Ala; replaces glycine 571 with alanine.
Molecular consequence: missense variant.
Genome position (GRCh38, 1-based): chr7:98,910,417, G>C. VCF-style: chr7-98910417-G-C. GRCh37 (hg19) VCF-style: chr7-98508040-G-C.
Other names: c.1712G>C, p.Gly571Ala (NM_001244580.2, NM_003496.4); short protein forms G571A.
Identifiers: ClinVar variation 3353725 (VCV003353725.2).